The following is an entry in ClinVar:

NM_002439.5(MSH3):c.3273del (p.Glu1092fs)

Gene: MSH3 (mutS homolog 3; plus strand). Cytogenetic location: 5q14.1.
Variant type: Deletion.
Coding change: c.3273del on transcript NM_002439.5 (MANE Select); coding-DNA position 3273, one base deleted (A; older notation c.3273delA).
Protein change: p.Glu1092fs; shifts the reading frame from glutamic acid 1092.
Molecular consequence: frameshift variant.
Genome position (GRCh38, 1-based): chr5:80,873,258, A deleted; the last of 4 consecutive A bases (chr5:80,873,255-80,873,258); deleting any one gives the same sequence. VCF-style (leftmost placement, unchanged base first): chr5-80873254-CA-C. GRCh37 (hg19) VCF-style: chr5-80169073-CA-C.
Other names: short protein forms E1092fs.
Identifiers: ClinVar variation 4731038 (VCV004731038.1).

ClinVar aggregate classification (germline): Uncertain significance (1 of 4 stars; one submission).

Submission:

Labcorp Genetics (formerly Invitae), Labcorp
Classification: Uncertain significance. Last evaluated: 2025-11-25. Review status: criteria provided, single submitter. Criteria: Invitae Variant Classification Sherloc (09022015). Collection method: clinical testing. Allele origin: germline.
Comment: This sequence change creates a premature translational stop signal (p.Glu1092Serfs*5) in the MSH3 gene. While this is not anticipated to result in nonsense mediated decay, it is expected to disrupt the last 46 amino acid(s) of the MSH3 protein. This variant is not present in population databases (gnomAD no frequency). This variant has not been reported in the literature in individuals affected with MSH3-related conditions. Experimental studies and prediction algorithms are not available or were not evaluated, and the functional significance of this variant is currently unknown. In summary, the available evidence is currently insufficient to determine the role of this variant in disease. Therefore, it has been classified as a Variant of Uncertain Significance.